The following is an entry in ClinVar:

NM_006267.5(RANBP2):c.7849+936G>T

Gene: RANBP2 (RAN binding protein 2; plus strand). Cytogenetic location: 2q13.
Variant type: single nucleotide variant.
Coding change: c.7849+936G>T on transcript NM_006267.5 (MANE Select); 936 bases into the intron after coding-DNA position 7849, G replaced by T.
Molecular consequence: intron variant. On other transcripts: missense variant (1).
Genome position (GRCh38, 1-based): chr2:108,769,324, G>T. VCF-style: chr2-108769324-G-T. GRCh37 (hg19) VCF-style: chr2-109385780-G-T.
Other names: c.7914G>T, p.Gln2638His (NM_001415871.1); c.7849+936G>T (NM_001415873.1); c.7846+936G>T (NM_001415872.1); short protein forms Q2638H.
Identifiers: ClinVar variation 2651254 (VCV002651254.24), dbSNP rs942498934, ClinGen allele CA53458308.

ClinVar aggregate classification (germline): Benign (1 of 4 stars; one submission).

Allele frequency attached by ClinVar (database versions not stated): TOPMed 0.00039; gnomAD 0.00043; 1000 Genomes Project 30x 0.00062.

Submission:

CeGaT Center for Human Genetics Tuebingen
Classification: Benign. Last evaluated: 2022-03-01. Review status: criteria provided, single submitter. Criteria: CeGaT Center For Human Genetics Tuebingen Variant Classification Criteria Version 2. Collection method: clinical testing. Allele origin: germline. Affected: yes. Observed: 1 variant allele.
Comment: RANBP2: BS1, BS2